The following is an entry in ClinVar:

NM_018979.4(WNK1):c.5270_5273del (p.Thr1757fs)

Gene: WNK1 (WNK lysine deficient protein kinase 1; plus strand). Cytogenetic location: 12p13.33.
Variant type: Microsatellite.
Coding change: c.5270_5273del on transcript NM_018979.4 (MANE Select); coding-DNA positions 5270 to 5273, 4 bases deleted (CTAA; older notation c.5270_5273delCTAA).
Protein change: p.Thr1757fs; shifts the reading frame from threonine 1757.
Molecular consequence: frameshift variant.
Genome position (GRCh38, 1-based): chr12:886,074-886,077, CTAA deleted; deleting any 4 consecutive bases within chr12:886,070-886,077 gives the same sequence; the c. name uses the placement nearest the transcript's 3' end. VCF-style (leftmost placement, unchanged base first): chr12-886069-TCTAA-T. GRCh37 (hg19) VCF-style: chr12-995235-TCTAA-T.
Other names: c.6050_6053del, p.Thr2017fs (NM_001184985.2); c.4529_4532del, p.Thr1510fs (NM_014823.3); c.6026_6029del, p.Thr2009fs (NM_213655.5); short protein forms T1757fs, T1510fs, T2009fs, T2017fs.
Identifiers: ClinVar variation 2942898 (VCV002942898.3), dbSNP rs2497153259, ClinGen allele CA2617007715.

ClinVar aggregate classification (germline): Pathogenic (1 of 4 stars; one submission).

Conditions:
Neuropathy, hereditary sensory and autonomic, type 2A (HSAN2A). Also called: ACROOSTEOLYSIS, GIACCAI TYPE; ACROOSTEOLYSIS, NEUROGENIC; MORVAN DISEASE; NEUROPATHY, CONGENITAL SENSORY; NEUROPATHY, HEREDITARY SENSORY RADICULAR, AUTOSOMAL RECESSIVE; NEUROPATHY, HEREDITARY SENSORY, TYPE IIA. Identifiers: Orphanet 970, MedGen C2752089, MONDO:0024309, OMIM 201300.
Pseudohypoaldosteronism type 2C (PHA2C). Also called: Pseudohypoaldosteronism Type IIC. Identifiers: Orphanet 757, Orphanet 88940, MedGen C1840391, MONDO:0013778, OMIM 614492.

Submission:

Labcorp Genetics (formerly Invitae), Labcorp
Classification: Pathogenic for Neuropathy, hereditary sensory and autonomic, type 2A; Pseudohypoaldosteronism type 2C. Last evaluated: 2023-01-01. Review status: criteria provided, single submitter. Criteria: Invitae Variant Classification Sherloc (09022015). Collection method: clinical testing. Allele origin: germline.
Comment: For these reasons, this variant has been classified as Pathogenic. This variant has not been reported in the literature in individuals affected with WNK1-related conditions. This variant is not present in population databases (gnomAD no frequency). This sequence change creates a premature translational stop signal (p.Thr2009Argfs*29) in the WNK1 gene. It is expected to result in an absent or disrupted protein product. Loss-of-function variants in WNK1 are known to be pathogenic (PMID: 22910560).

Literature cited by the submitters: PubMed 22910560.